The following is an entry in ClinVar:

ClinVar aggregate classification (germline): Likely benign (1 of 4 stars; one submission).

Submission:

CeGaT Center for Human Genetics Tuebingen
Classification: Likely benign. Last evaluated: 2024-05-01. Review status: criteria provided, single submitter. Criteria: CeGaT Center For Human Genetics Tuebingen Variant Classification Criteria Version 2. Collection method: clinical testing. Allele origin: germline. Affected: yes. Observed: 3 variant alleles.
Comment: CDH15: PM4:Supporting, BS1

NM_004933.3(CDH15):c.1453CCG[5] (p.Pro488_Gly489insPro)

Gene: CDH15 (cadherin 15; plus strand). Cytogenetic location: 16q24.3.
Variant type: Microsatellite.
Coding change: c.1453CCG[5] on transcript NM_004933.3 (MANE Select); five copies in a row of the 3-base unit CCG starting at c.1453; the reference has four copies in a row; one copy, 3 bases duplicated.
Protein change: p.Pro488_Gly489insPro.
Molecular consequence: inframe insertion.
Genome position (GRCh38, 1-based): chr16:89,191,741-89,191,743, CCG duplicated; duplicating any 3 consecutive bases within chr16:89,191,732-89,191,743 gives the same sequence; the position shown is the placement nearest the transcript's 3' end. VCF-style (leftmost placement, unchanged base first): chr16-89191731-C-CCCG. GRCh37 (hg19) VCF-style: chr16-89258139-C-CCCG.
Identifiers: ClinVar variation 2647033 (VCV002647033.24), dbSNP rs546499570, ClinGen allele CA8239306.